The following is an entry in ClinVar:

ClinVar aggregate classification (germline): Likely benign (1 of 4 stars; one submission).

Conditions:
IFT74-related disorder. Also called: IFT74-related condition; IFT74-Related Disorders.

gnomAD v4.1: 1 of 1,457,362 alleles (0.000069%); highest among the groups gnomAD compares: East Asian, 0.0023%; no homozygotes.

Submission:

PreventionGenetics, part of Exact Sciences
Classification: Likely benign for IFT74-related condition. Last evaluated: 2026-09-14. Review status: criteria provided, single submitter. Criteria: ACMG Guidelines, 2015. Collection method: clinical testing. Allele origin: germline.
Comment: This variant is classified as likely benign based on ACMG/AMP sequence variant interpretation guidelines (Richards et al. 2015 PMID: 25741868, with internal and published modifications).

NM_025103.4(IFT74):c.1685-9T>C

Gene: IFT74 (intraflagellar transport 74; plus strand). Cytogenetic location: 9p21.2.
Variant type: single nucleotide variant.
Coding change: c.1685-9T>C on transcript NM_025103.4 (MANE Select); 9 bases into the intron before coding-DNA position 1685, T replaced by C.
Molecular consequence: intron variant. On other transcripts: 3 prime UTR variant (1).
Genome position (GRCh38, 1-based): chr9:27,062,609, T>C. VCF-style: chr9-27062609-T-C. GRCh37 (hg19) VCF-style: chr9-27062607-T-C.
Other names: c.*612T>C (NM_001349928.2); c.1685-9T>C (NM_001099223.3, NM_001099222.3).
Identifiers: ClinVar variation 4992896 (VCV004992896.1).
Genomic context (GRCh38, chr9:27,062,609, plus strand): 5'-TTTAGTTCCTTTCTCAGGCACAATTAGATTTTTATTGACATTGTTTTCCCCCTTAACTCA[T>C]GTAATTAGTCATAGCAACCAAGAGTCAAGAGAGTGATTACCAGCCAATTAAGAAAAATGT-3'